The following is an entry in ClinVar:

ClinVar aggregate classification (germline): Uncertain significance. Review status: criteria provided, multiple submitters, no conflicts (2 of 4 stars). 3 submissions from 3 submitters: Uncertain significance (2). 1 of the submissions does not count toward it. Last evaluated 2025-02-12.

Conditions:
Breast-ovarian cancer, familial, susceptibility to, 2 (BROVCA2). Also called: BRCA2 Hereditary Breast and Ovarian Cancer. Identifiers: Orphanet 145, MedGen C2675520, MONDO:0012933, OMIM 612555. Disease mechanism: loss of function.
Hereditary breast ovarian cancer syndrome. Also called: Breast and ovarian cancer; Hereditary breast and ovarian cancer; Hereditary breast and ovarian cancer syndrome; Hereditary breast and ovarian cancer syndrome (HBOC); Hereditary breast and/or ovarian cancer syndrome; BRCA1- and BRCA2-Associated Hereditary Breast and Ovarian Cancer. Identifiers: Orphanet 145, MedGen C0677776, MeSH D061325, MONDO:0003582. Disease mechanism: loss of function.

Submissions (3):

Molecular Pathology, Peter Maccallum Cancer Centre
Classification: Uncertain significance for Breast-ovarian cancer, familial, susceptibility to, 2. Last evaluated: 2025-02-12. Review status: criteria provided, single submitter. Criteria: ACMG Guidelines, 2015. Collection method: clinical testing. Allele origin: germline. Inheritance: Autosomal dominant inheritance.

Labcorp Genetics (formerly Invitae), Labcorp
Classification: Uncertain significance for Hereditary breast ovarian cancer syndrome. Last evaluated: 2024-03-20. Review status: criteria provided, single submitter. Criteria: Invitae Variant Classification Sherloc (09022015). Collection method: clinical testing. Allele origin: germline.
Comment: This sequence change replaces proline, which is neutral and non-polar, with leucine, which is neutral and non-polar, at codon 2796 of the BRCA2 protein (p.Pro2796Leu). This variant is not present in population databases (gnomAD no frequency). This variant has not been reported in the literature in individuals affected with BRCA2-related conditions. Advanced modeling of protein sequence and biophysical properties (such as structural, functional, and spatial information, amino acid conservation, physicochemical variation, residue mobility, and thermodynamic stability) performed at Invitae indicates that this missense variant is not expected to disrupt BRCA2 protein function with a negative predictive value of 95%. In summary, the available evidence is currently insufficient to determine the role of this variant in disease. Therefore, it has been classified as a Variant of Uncertain Significance.

BRCAlab, Lund University
Classification: Uncertain significance for Breast-ovarian cancer, familial, susceptibility to, 2. Last evaluated: 2020-03-02. Review status: no assertion criteria provided. Collection method: clinical testing. Allele origin: germline. Affected: yes. Not counted in ClinVar's aggregate classification.

NM_000059.4(BRCA2):c.8387C>T (p.Pro2796Leu)

Gene: BRCA2 (BRCA2 DNA repair associated; plus strand). Cytogenetic location: 13q13.1.
Variant type: single nucleotide variant.
Coding change: c.8387C>T on transcript NM_000059.4 (MANE Select); coding-DNA position 8387, C replaced by T.
Protein change: p.Pro2796Leu; replaces proline 2796 with leucine.
Molecular consequence: missense variant. On other transcripts: non-coding transcript variant (1).
Genome position (GRCh38, 1-based): chr13:32,370,457, C>T. VCF-style: chr13-32370457-C-T. GRCh37 (hg19) VCF-style: chr13-32944594-C-T.
Other names: c.8291C>T, p.Pro2764Leu (NM_001406719.1); c.8387C>T, p.Pro2796Leu (NM_001406720.1); c.3455C>T, p.Pro1152Leu (NM_001406721.1); c.1970C>T, p.Pro657Leu (NM_001406722.1); short protein forms P1152L, P2764L, P2796L, P657L.
Identifiers: ClinVar variation 2692253 (VCV002692253.5), dbSNP rs2137596986, ClinGen allele CA387752471.
Genomic context (GRCh38, chr13:32,370,457, plus strand): 5'-TCCAGATTTCTGCTAACAGTACTCGGCCTGCTCGCTGGTATACCAAACTTGGATTCTTTC[C>T]TGACCCTAGACCTTTTCCTCTGCCCTTATCATCGCTTTTCAGTGATGGAGGAAATGTTGG-3'
Protein context (NP_000050.3, residues 2786-2806): ARWYTKLGFF[Pro2796Leu]DPRPFPLPLS